The following is an entry in ClinVar:

ClinVar aggregate classification (germline): Uncertain significance (1 of 4 stars; one submission).

Conditions:
Epileptic encephalopathy. Identifiers: MedGen C0543888, HP:0200134.

Allele frequency attached by ClinVar (database versions not stated): TOPMed 0.00002; gnomAD 0.00004; gnomAD exomes 0.00004 and 0.00008; ExAC 0.00009.
gnomAD v4.1: 68 of 1,613,822 alleles (0.0042%); highest among the groups gnomAD compares: South Asian, 0.033%; no homozygotes.

Submission:

Labcorp Genetics (formerly Invitae), Labcorp
Classification: Uncertain significance for Epileptic encephalopathy. Last evaluated: 2025-10-27. Review status: criteria provided, single submitter. Criteria: Invitae Variant Classification Sherloc (09022015). Collection method: clinical testing. Allele origin: germline.
Comment: This sequence change replaces threonine, which is neutral and polar, with methionine, which is neutral and non-polar, at codon 2538 of the RYR3 protein (p.Thr2538Met). This variant is present in population databases (rs576237958, gnomAD 0.04%). This variant has not been reported in the literature in individuals affected with RYR3-related conditions. ClinVar contains an entry for this variant (Variation ID: 580185). Invitae Evidence Modeling of protein sequence and biophysical properties (such as structural, functional, and spatial information, amino acid conservation, physicochemical variation, residue mobility, and thermodynamic stability) indicates that this missense variant is not expected to disrupt RYR3 protein function with a negative predictive value of 80%. In summary, the available evidence is currently insufficient to determine the role of this variant in disease. Therefore, it has been classified as a Variant of Uncertain Significance.

NM_001036.6(RYR3):c.7613C>T (p.Thr2538Met)

Gene: RYR3 (ryanodine receptor 3; plus strand). Cytogenetic location: 15q14.
Variant type: single nucleotide variant.
Coding change: c.7613C>T on transcript NM_001036.6 (MANE Select); coding-DNA position 7613, C replaced by T.
Protein change: p.Thr2538Met; replaces threonine 2538 with methionine.
Molecular consequence: missense variant.
Genome position (GRCh38, 1-based): chr15:33,738,547, C>T. VCF-style: chr15-33738547-C-T. GRCh37 (hg19) VCF-style: chr15-34030748-C-T.
Other names: c.7613C>T, p.Thr2538Met (NM_001243996.4); short protein forms T2538M.
Identifiers: ClinVar variation 580185 (VCV000580185.10), dbSNP rs576237958, ClinGen allele CA7459931.